The following is an entry in ClinVar:

NM_201548.5(CERKL):c.1582G>T (p.Glu528Ter)

Genes: CERKL (CERK like autophagy regulator; minus strand), ITGA4 (integrin subunit alpha 4; plus strand). Cytogenetic location: 2q31.3.
Variant type: single nucleotide variant.
Coding change: c.1582G>T on transcript NM_201548.5 (MANE Select); coding-DNA position 1582, G replaced by T.
Protein change: p.Glu528Ter; replaces glutamic acid 528 with a stop codon.
Molecular consequence: nonsense. On other transcripts: 3 prime UTR variant (1), non-coding transcript variant (2).
Genome position (GRCh38, 1-based): chr2:181,538,201, C>A on the plus strand (G>T on the coding strand, the complement: CERKL is on the minus strand). VCF-style: chr2-181538201-C-A. GRCh37 (hg19) VCF-style: chr2-182402928-C-A.
Other names: c.*2674C>A (NM_000885.6); c.1660G>T, p.Glu554Ter (NM_001030311.3); c.1243G>T, p.Glu415Ter (NM_001030312.3); c.1375G>T, p.Glu459Ter (NM_001030313.3); c.1528G>T, p.Glu510Ter (NM_001160277.2); short protein forms E459*, E528*, E554*, E415*, E510*.
Identifiers: ClinVar variation 2066837 (VCV002066837.4), dbSNP rs2468264049, ClinGen allele CA349732621.

ClinVar aggregate classification (germline): Uncertain significance (1 of 4 stars; one submission).

Submission:

Labcorp Genetics (formerly Invitae), Labcorp
Classification: Uncertain significance. Last evaluated: 2021-12-30. Review status: criteria provided, single submitter. Criteria: Invitae Variant Classification Sherloc (09022015). Collection method: clinical testing. Allele origin: germline.
Comment: In summary, the available evidence is currently insufficient to determine the role of this variant in disease. Therefore, it has been classified as a Variant of Uncertain Significance. Experimental studies and prediction algorithms are not available or were not evaluated, and the functional significance of this variant is currently unknown. This variant has not been reported in the literature in individuals affected with CERKL-related conditions. This variant is not present in population databases (gnomAD no frequency). This sequence change creates a premature translational stop signal (p.Glu554*) in the CERKL gene. While this is not anticipated to result in nonsense mediated decay, it is expected to disrupt the last 5 amino acid(s) of the CERKL protein.